The following is an entry in ClinVar:

ClinVar aggregate classification (germline): Uncertain significance. Review status: criteria provided, multiple submitters, no conflicts (2 of 4 stars). 2 submissions from 2 submitters: Uncertain significance (2). Last evaluated 2023-03-12.

Conditions:
Hereditary cancer-predisposing syndrome. Also called: Neoplastic Syndromes, Hereditary; Hereditary Cancer Syndrome; Tumor predisposition; Hereditary neoplastic syndrome. Identifiers: Orphanet 140162, MedGen C0027672, MeSH D009386, MONDO:0015356.
Bloom syndrome (BLM). Also called: Bloom-Torre-Machacek syndrome. Identifiers: Orphanet 125, MedGen C0005859, MONDO:0008876, OMIM 210900.

Submissions (2):

Labcorp Genetics (formerly Invitae), Labcorp
Classification: Uncertain significance for Bloom syndrome. Last evaluated: 2023-03-12. Review status: criteria provided, single submitter. Criteria: Invitae Variant Classification Sherloc (09022015). Collection method: clinical testing. Allele origin: germline.
Comment: In summary, the available evidence is currently insufficient to determine the role of this variant in disease. Therefore, it has been classified as a Variant of Uncertain Significance. Advanced modeling of protein sequence and biophysical properties (such as structural, functional, and spatial information, amino acid conservation, physicochemical variation, residue mobility, and thermodynamic stability) performed at Invitae indicates that this missense variant is expected to disrupt BLM protein function. ClinVar contains an entry for this variant (Variation ID: 968627). This variant has not been reported in the literature in individuals affected with BLM-related conditions. This variant is not present in population databases (gnomAD no frequency). This sequence change replaces arginine, which is basic and polar, with serine, which is neutral and polar, at codon 1038 of the BLM protein (p.Arg1038Ser).

Ambry Genetics
Classification: Uncertain significance for Hereditary cancer-predisposing syndrome. Last evaluated: 2022-06-21. Review status: criteria provided, single submitter. Criteria: Ambry Variant Classification Scheme 2023. Collection method: clinical testing. Allele origin: germline.
Comment: The p.R1038S variant (also known as c.3114A>C), located in coding exon 15 of the BLM gene, results from an A to C substitution at nucleotide position 3114. The arginine at codon 1038 is replaced by serine, an amino acid with dissimilar properties. This amino acid position is conserved. In addition, this alteration is predicted to be deleterious by in silico analysis. Since supporting evidence is limited at this time, the clinical significance of this alteration remains unclear.

NM_000057.4(BLM):c.3114A>C (p.Arg1038Ser)

Gene: BLM (BLM RecQ like helicase; plus strand). Cytogenetic location: 15q26.1.
Variant type: single nucleotide variant.
Coding change: c.3114A>C on transcript NM_000057.4 (MANE Select); coding-DNA position 3114, A replaced by C.
Protein change: p.Arg1038Ser; replaces arginine 1038 with serine.
Molecular consequence: missense variant.
Genome position (GRCh38, 1-based): chr15:90,794,261, A>C. VCF-style: chr15-90794261-A-C. GRCh37 (hg19) VCF-style: chr15-91337491-A-C.
Other names: c.3114A>C, p.Arg1038Ser (NM_001287246.2, NM_001287247.2); c.1989A>C, p.Arg663Ser (NM_001287248.2); short protein forms R1038S, R663S.
Identifiers: ClinVar variation 968627 (VCV000968627.10), dbSNP rs1896976226, ClinGen allele CA393846865.